The following is an entry in ClinVar:

NM_001256627.2(BRSK2):c.1173C>T (p.Gly391=)

Gene: BRSK2 (BR serine/threonine kinase 2; plus strand). Cytogenetic location: 11p15.5.
Variant type: single nucleotide variant.
Coding change: c.1173C>T on transcript NM_001256627.2 (MANE Select); coding-DNA position 1173, C replaced by T.
Protein change: p.Gly391=; no amino-acid change (glycine 391 retained).
Molecular consequence: synonymous variant. On other transcripts: non-coding transcript variant (1).
Genome position (GRCh38, 1-based): chr11:1,445,854, C>T. VCF-style: chr11-1445854-C-T. GRCh37 (hg19) VCF-style: chr11-1467084-C-T.
Other names: c.1173C>T, p.Gly391= (NM_001256629.2, NM_003957.4); c.1311C>T, p.Gly437= (NM_001256630.1); c.993C>T, p.Gly331= (NM_001282218.2).
Identifiers: ClinVar variation 3044814 (VCV003044814.22), dbSNP rs201459489, ClinGen allele CA5810850.

ClinVar aggregate classification (germline): Likely benign. Review status: criteria provided, single submitter (1 of 4 stars). 2 submissions from 2 submitters: Likely benign (1). 1 of the submissions does not count toward it. Last evaluated 2024-03-01.

Conditions:
BRSK2-related disorder. Also called: BRSK2-related condition; BRSK2-Related Disorders.

Allele frequency attached by ClinVar (database versions not stated): gnomAD exomes 0.00016; ExAC 0.00040; ESP Exome Variant Server 0.00093; gnomAD 0.00093; TOPMed 0.00105; 1000 Genomes Project 0.00120; 1000 Genomes Project 30x 0.00172.
gnomAD v4.1: 398 of 1,612,154 alleles (0.025%); highest among the groups gnomAD compares: African/African-American, 0.26%; 2 homozygotes.

Submissions (2):

CeGaT Center for Human Genetics Tuebingen
Classification: Likely benign. Last evaluated: 2024-03-01. Review status: criteria provided, single submitter. Criteria: CeGaT Center For Human Genetics Tuebingen Variant Classification Criteria Version 2. Collection method: clinical testing. Allele origin: germline. Affected: yes. Observed: 1 variant allele.
Comment: BRSK2: BP4, BP7

PreventionGenetics, part of Exact Sciences
Classification: Likely benign for BRSK2-related condition. Last evaluated: 2019-05-31. Review status: no assertion criteria provided. Collection method: clinical testing. Allele origin: germline. Not counted in ClinVar's aggregate classification.
Comment: This variant is classified as likely benign based on ACMG/AMP sequence variant interpretation guidelines (Richards et al. 2015 PMID: 25741868, with internal and published modifications).